The following is an entry in ClinVar:

NM_017739.4(POMGNT1):c.1873G>A (p.Gly625Arg)

Genes: POMGNT1 (protein O-linked mannose N-acetylglucosaminyltransferase 1 (beta 1,2-); minus strand), TSPAN1 (tetraspanin 1; plus strand). Cytogenetic location: 1p34.1.
Variant type: single nucleotide variant.
Coding change: c.1873G>A on transcript NM_017739.4 (MANE Select); coding-DNA position 1873, G replaced by A.
Protein change: p.Gly625Arg; replaces glycine 625 with arginine.
Molecular consequence: missense variant. On other transcripts: intron variant (1).
Genome position (GRCh38, 1-based): chr1:46,189,480, C>T on the plus strand (G>A on the coding strand, the complement: POMGNT1 is on the minus strand). VCF-style: chr1-46189480-C-T. GRCh37 (hg19) VCF-style: chr1-46655152-C-T.
Other names: c.1807G>A, p.Gly603Arg (NM_001290129.3, NM_001438691.1, NM_001438692.1); c.1444G>A, p.Gly482Arg (NM_001290130.2); c.1873G>A, p.Gly625Arg (NM_001410783.1, NM_001437653.1, NM_001438686.1 and 2 more transcripts); c.1869+4G>A (NM_001243766.2); short protein forms G482R, G603R, G625R.
Identifiers: ClinVar variation 4815902 (VCV004815902.2).

ClinVar aggregate classification (germline): Conflicting classifications of pathogenicity. Review status: criteria provided, conflicting classifications (1 of 4 stars). 2 submissions from 2 submitters: Likely pathogenic (1); Uncertain significance (1). Last evaluated 2026-05-19.

Conditions:
Muscle eye brain disease (MEB). Also called: Santavuori congenital muscular dystrophy. Identifiers: Orphanet 588, Orphanet 899, MedGen C0457133, MONDO:0018939.
Myopathy caused by variation in POMGNT1. Identifiers: MedGen CN305639, MONDO:0700068.

gnomAD v4.1: 7 of 1,613,518 alleles (0.00043%); highest among the groups gnomAD compares: Non-Finnish European, 0.00051%; no homozygotes.

Submissions (2):

Myriad Genetics, Inc.
Classification: Uncertain significance for Myopathy caused by variation in POMGNT1. Last evaluated: 2026-05-19. Review status: criteria provided, single submitter. Criteria: Myriad Autosomal Dominant, Autosomal Recessive and X-Linked Classification Criteria (2023). Collection method: clinical testing. Allele origin: unknown.
Comment: NM_017739.3(POMGNT1):c.1873G>A(G625R) is a missense variant classified as a variant of uncertain significance in the context of POMGNT1-related disorders. G625R has been observed in cases with relevant disease (PMID: 33200426, 28604469, 33914258). Relevant functional assessments of this variant are not available in the literature. G625R has not been observed in referenced population frequency databases. In summary, there is insufficient evidence to classify NM_017739.3(POMGNT1):c.1873G>A(G625R) as pathogenic or benign. Please note: this variant was assessed in the context of healthy population screening.

Natera, Inc.
Classification: Likely pathogenic for Muscle-eye-brain disease. Last evaluated: 2025-08-04. Review status: criteria provided, single submitter. Criteria: Natera Variant Classification Schema (03/2026). Collection method: clinical testing. Allele origin: germline.
Comment: The c.1873G>A variant in POMGNT1 is a missense variant predicted to cause substitution of glycine to arginine at amino acid 625. This variant is rare in the general population with a frequency below the threshold expected for the associated phenotype(s). This variant has been observed in one or more individuals affected with the associated recessive disease, as either homozygous or compound heterozygous with a second variant (PMID: 28604469, 33914258, 33200426). This variant has been identified in one or more affected individuals with a phenotype highly consistent with the associated gene (PMID: 28604469, 33914258, 33200426). Computational prediction algorithms indicate this variant is likely to affect gene or protein function. Given the available evidence, this variant is classified as Likely Pathogenic.

Literature cited by the submitters: PubMed 28604469 (cited by Myriad Genetics, Inc. and Natera, Inc.); PubMed 33200426 (cited by Myriad Genetics, Inc. and Natera, Inc.); PubMed 33914258 (cited by Myriad Genetics, Inc. and Natera, Inc.).